The following is an entry in ClinVar:

ClinVar aggregate classification (germline): Conflicting classifications of pathogenicity. Review status: criteria provided, conflicting classifications (1 of 4 stars). 3 submissions from 3 submitters: Uncertain significance (1); Likely benign (2). Last evaluated 2026-02-18.

Conditions:
Saldino-Mainzer syndrome (SRTD9). Also called: SHORT-RIB THORACIC DYSPLASIA 9 WITHOUT POLYDACTYLY; short-rib thoracic dysplasia 9 with or without polydactyly; CONORENAL SYNDROME; Renal dysplasia, retinal pigmentary dystrophy, cerebellar ataxia and skeletal dysplasia. Identifiers: Orphanet 140969, MedGen C1849437, MONDO:0009964, OMIM 266920.
IFT140-related disorder. Also called: IFT140-related condition.

Allele frequency attached by ClinVar (database versions not stated): gnomAD exomes 0.00010 and 0.00017; ExAC 0.00023; ESP Exome Variant Server 0.00031; 1000 Genomes Project 0.00040; gnomAD 0.00040; TOPMed 0.00040; 1000 Genomes Project 30x 0.00062.
gnomAD v4.1: 210 of 1,611,434 alleles (0.013%); highest among the groups gnomAD compares: African/African-American, 0.11%; 1 homozygote.

Submissions (3):

PreventionGenetics, part of Exact Sciences
Classification: Uncertain significance for IFT140-related condition. Last evaluated: 2026-02-18. Review status: criteria provided, single submitter. Criteria: ACMG Guidelines, 2015. Collection method: clinical testing. Allele origin: germline.
Comment: The IFT140 c.2110G>A variant is predicted to result in the amino acid substitution p.Gly704Ser. This variant was reported, along with a second heterozygous variant in the same gene, in an individual with nephronophthisis (Petzold et al. 2023. PubMed ID: 37230223). However, this variant is reported in 0.12% of alleles in individuals of African descent in gnomAD, which may be too frequent to be a primary cause of disease. Additionally, functional studies suggest that this variant may be benign (Cevik et al. 2023. PubMed ID: 37933433). Although we suspect that this variant may be benign, at this time, the clinical significance of this variant is uncertain due to the absence of conclusive functional and genetic evidence.

Labcorp Genetics (formerly Invitae), Labcorp
Classification: Likely benign for Saldino-Mainzer syndrome. Last evaluated: 2026-01-13. Review status: criteria provided, single submitter. Criteria: Invitae Variant Classification Sherloc (09022015). Collection method: clinical testing. Allele origin: germline.

Blueprint Genetics
Classification: Likely benign. Last evaluated: 2024-10-23. Review status: criteria provided, single submitter. Criteria: ACMG Guidelines, 2015. Collection method: clinical testing. Allele origin: germline.

NM_014714.4(IFT140):c.2110G>A (p.Gly704Ser)

Gene: IFT140 (intraflagellar transport 140; minus strand). Cytogenetic location: 16p13.3.
Variant type: single nucleotide variant.
Coding change: c.2110G>A on transcript NM_014714.4 (MANE Select); coding-DNA position 2110, G replaced by A.
Protein change: p.Gly704Ser; replaces glycine 704 with serine.
Molecular consequence: missense variant.
Genome position (GRCh38, 1-based): chr16:1,562,074, C>T on the plus strand (G>A on the coding strand, the complement: IFT140 is on the minus strand). VCF-style: chr16-1562074-C-T. GRCh37 (hg19) VCF-style: chr16-1612075-C-T.
Other names: short protein forms G704S.
Identifiers: ClinVar variation 576692 (VCV000576692.11), dbSNP rs150745099, ClinGen allele CA7814001.
Genomic context (GRCh38, chr16:1,562,074, plus strand): 5'-CCATCCCCAGGAGACTGTGGGAGGTGGCAGGCCGGGGGAAGCTCTCATGAAGCAGGAAGC[C>T]GTGCTCTTCGGAAATGAAGAAGGACAGGATCAAAACATCTGCCTGGGAGAGAAAGAAAAG-3'
Protein context (NP_055529.2, residues 694-714): ILSFFISEEH[Gly704Ser]FLLHESFPRP